The following is an entry in ClinVar:

NM_001035.3(RYR2):c.11178C>T (p.Tyr3726=)

Gene: RYR2 (ryanodine receptor 2; plus strand). Cytogenetic location: 1q43.
Variant type: single nucleotide variant.
Coding change: c.11178C>T on transcript NM_001035.3 (MANE Select); coding-DNA position 11178, C replaced by T.
Protein change: p.Tyr3726=; no amino-acid change (tyrosine 3726 retained).
Molecular consequence: synonymous variant.
Genome position (GRCh38, 1-based): chr1:237,756,320, C>T. VCF-style: chr1-237756320-C-T. GRCh37 (hg19) VCF-style: chr1-237919620-C-T.
Identifiers: ClinVar variation 3069363 (VCV003069363.1), dbSNP rs2527393693, ClinGen allele CA423821750.

ClinVar aggregate classification (germline): Likely benign (1 of 4 stars; one submission).

Conditions:
Catecholaminergic polymorphic ventricular tachycardia (CVPT). Also called: Catecholamine-induced polymorphic ventricular tachycardia. Identifiers: Orphanet 3286, MedGen C5574922, MONDO:0017990.

Submission:

All of Us Research Program, National Institutes of Health
Classification: Likely benign for Catecholaminergic polymorphic ventricular tachycardia. Last evaluated: 2023-02-15. Review status: criteria provided, single submitter. Criteria: ACMG Guidelines, 2015. Collection method: clinical testing. Allele origin: germline. Inheritance: Autosomal dominant inheritance. Observed: 1 variant allele, 1 heterozygote.
Comment: This study involves interpretation of variants in research participants for the purpose of population health screening. Participant phenotype was not available at the time of variant classification. Additional details can be found in publication PMID: 35346344, PMCID: PMC8962531